The following is an entry in ClinVar:

NM_004998.4(MYO1E):c.2620A>G (p.Ser874Gly)

Gene: MYO1E (myosin IE; minus strand). Cytogenetic location: 15q22.2.
Variant type: single nucleotide variant.
Coding change: c.2620A>G on transcript NM_004998.4 (MANE Select); coding-DNA position 2620, A replaced by G.
Protein change: p.Ser874Gly; replaces serine 874 with glycine.
Molecular consequence: missense variant.
Genome position (GRCh38, 1-based): chr15:59,163,164, T>C on the plus strand (A>G on the coding strand, the complement: MYO1E is on the minus strand). VCF-style: chr15-59163164-T-C. GRCh37 (hg19) VCF-style: chr15-59455363-T-C.
Other names: p.Ser874Gly; short protein forms S874G.
Identifiers: ClinVar variation 3297809 (VCV003297809.3).

ClinVar aggregate classification (germline): Conflicting classifications of pathogenicity. Review status: criteria provided, conflicting classifications (1 of 4 stars). 2 submissions from 2 submitters: Uncertain significance (1); Likely benign (1). Last evaluated 2024-12-13.

Conditions:
Inborn genetic diseases. Identifiers: MedGen C0950123, MeSH D030342.

gnomAD v4.1: 5 of 1,614,004 alleles (0.00031%); highest among the groups gnomAD compares: African/African-American, 0.004%; no homozygotes.

Submissions (2):

Ambry Genetics
Classification: Likely benign for Inborn genetic diseases. Last evaluated: 2024-12-13. Review status: criteria provided, single submitter. Criteria: Ambry Variant Classification Scheme 2023. Collection method: clinical testing. Allele origin: germline.

Mayo Clinic Laboratories, Mayo Clinic
Classification: Uncertain significance. Last evaluated: 2023-12-22. Review status: criteria provided, single submitter. Criteria: ACMG Guidelines, 2015. Collection method: clinical testing. Allele origin: germline. Observed: 1 variant allele.
Comment: BP4